The following is an entry in ClinVar:

NM_000834.5(GRIN2B):c.1576T>C (p.Ser526Pro)

Gene: GRIN2B (glutamate ionotropic receptor NMDA type subunit 2B; minus strand). Cytogenetic location: 12p13.1.
Variant type: single nucleotide variant.
Coding change: c.1576T>C on transcript NM_000834.5 (MANE Select); coding-DNA position 1576, T replaced by C.
Protein change: p.Ser526Pro; replaces serine 526 with proline.
Molecular consequence: missense variant.
Genome position (GRCh38, 1-based): chr12:13,615,192, A>G on the plus strand (T>C on the coding strand, the complement: GRIN2B is on the minus strand). VCF-style: chr12-13615192-A-G. GRCh37 (hg19) VCF-style: chr12-13768126-A-G.
Other names: short protein forms S526P.
Identifiers: ClinVar variation 429969 (VCV000429969.4), dbSNP rs1131691702, ClinGen allele CA384051839.

ClinVar aggregate classification (germline): Pathogenic (1 of 4 stars; one submission).

Conditions:
Complex neurodevelopmental disorder. Identifiers: Orphanet 528084, MedGen C5568766, MONDO:0100038.

Submission:

GeneDx
Classification: Pathogenic. Last evaluated: 2017-05-12. Review status: criteria provided, single submitter. Criteria: GeneDx Variant Classification (06012015). Collection method: clinical testing. Allele origin: germline. Affected: yes.
Comment: The S526P variant in the GRIN2B gene not been reported previously as a pathogenic variant nor as a benign variant, to our knowledge. This variant is not observed in large population cohorts (Lek et al., 2016; 1000 Genomes Consortium et al., 2015; Exome Variant Server). The S526P variant is a non-conservative amino acid substitution, which is likely to impact secondary protein structure as these residues differ in polarity, charge, size and/or other properties. This substitution occurs at a position that is conserved across species, and is located within the S1 ligand-binding domain (Lemke et al., 2014). In silico analysis predicts this variant is probably damaging to the protein structure/function. Based on currently available evidence, we interpret S526P as a pathogenic variant.